The following is an entry in ClinVar:

ClinVar aggregate classification (germline): Benign/Likely benign. Review status: criteria provided, multiple submitters, no conflicts (2 of 4 stars). 6 submissions from 2 submitters: Benign (4); Likely benign (2). Last evaluated 2018-01-13.

Conditions:
Beare-Stevenson cutis gyrata syndrome (BSTVS). Identifiers: Orphanet 1555, MedGen C1852406, MONDO:0007412, OMIM 123790.
Saethre-Chotzen syndrome (SCS). Also called: ACROCEPHALY, SKULL ASYMMETRY, AND MILD SYNDACTYLY; ACS III; CHOTZEN SYNDROME. Identifiers: Orphanet 794, MedGen C0175699, MONDO:0007042, OMIM 101400.
Crouzon syndrome. Also called: CRANIOFACIAL DYSOSTOSIS, TYPE I; Craniofacial dysostosis; Craniofacial dysostosis type 1; Crouzon craniofacial dysostosis; Crouzon disease. Identifiers: Orphanet 207, MedGen C0010273, MeSH D003394, MONDO:0007405, OMIM 123500, HP:0004439.
Isolated Coronal Synostosis. Identifiers: MedGen CN043619.
Craniosynostosis syndrome. Also called: Craniosynostosis. Identifiers: Orphanet 1531, MedGen C0010278, MeSH D003398, MONDO:0015469, HP:0001363.

Allele frequency attached by ClinVar (database versions not stated): 1000 Genomes Project 30x 0.00234; 1000 Genomes Project 0.00240; ExAC 0.00298; gnomAD exomes 0.00365 and 0.00516; gnomAD 0.00393 and 0.00402; TOPMed 0.00432; ESP Exome Variant Server 0.00438.
gnomAD v4.1: 7,395 of 1,476,652 alleles (0.5%); highest among the groups gnomAD compares: Non-Finnish European, 0.61%; 30 homozygotes.

Submissions (6):

Illumina Laboratory Services, Illumina
Classification: Benign for Beare-Stevenson cutis gyrata syndrome. Last evaluated: 2018-01-13. Review status: criteria provided, single submitter. Criteria: ICSL Variant Classification Criteria 13 December 2019. Collection method: clinical testing. Allele origin: germline.
Comment: This variant was observed in the ICSL laboratory as part of a predisposition screen in an ostensibly healthy population. It had not been previously curated by ICSL or reported in the Human Gene Mutation Database (HGMD: prior to June 1st, 2018), and was therefore a candidate for classification through an automated scoring system. Utilizing variant allele frequency, disease prevalence and penetrance estimates, and inheritance mode, an automated score was calculated to assess if this variant is too frequent to cause the disease. Based on the score and internal cut-off values, a variant classified as benign is not then subjected to further curation. The score for this variant resulted in a classification of benign for this disease.

Illumina Laboratory Services, Illumina
Classification: Benign for Crouzon syndrome. Last evaluated: 2018-01-13. Review status: criteria provided, single submitter. Criteria: ICSL Variant Classification Criteria 13 December 2019. Collection method: clinical testing. Allele origin: germline.
Comment: the same text as in the submission from Illumina Laboratory Services, Illumina above.

Illumina Laboratory Services, Illumina
Classification: Benign for Craniosynostosis. Last evaluated: 2018-01-13. Review status: criteria provided, single submitter. Criteria: ICSL Variant Classification Criteria 13 December 2019. Collection method: clinical testing. Allele origin: germline.
Comment: the same text as in the submission from Illumina Laboratory Services, Illumina above.

Illumina Laboratory Services, Illumina
Classification: Benign for Saethre-Chotzen syndrome. Last evaluated: 2018-01-13. Review status: criteria provided, single submitter. Criteria: ICSL Variant Classification Criteria 13 December 2019. Collection method: clinical testing. Allele origin: germline.
Comment: the same text as in the submission from Illumina Laboratory Services, Illumina above.

Illumina Laboratory Services, Illumina
Classification: Likely benign for Isolated coronal synostosis. Last evaluated: 2018-01-13. Review status: criteria provided, single submitter. Criteria: ICSL Variant Classification Criteria 13 December 2019. Collection method: clinical testing. Allele origin: germline.
Comment: This variant was observed in the ICSL laboratory as part of a predisposition screen in an ostensibly healthy population. It had not been previously curated by ICSL or reported in the Human Gene Mutation Database (HGMD: prior to June 1st, 2018), and was therefore a candidate for classification through an automated scoring system. Utilizing variant allele frequency, disease prevalence and penetrance estimates, and inheritance mode, an automated score was calculated to assess if this variant is too frequent to cause the disease. Based on the score and internal cut-off values, a variant classified as likely benign is not then subjected to further curation. The score for this variant resulted in a classification of likely benign for this disease.

Breakthrough Genomics
Classification: Likely benign. Review status: criteria provided, single submitter. Criteria: ACMG Guidelines, 2015. Collection method: not provided. Allele origin: germline. Inheritance: Autosomal dominant inheritance. Affected: yes.

NM_000141.5(FGFR2):c.*324A>G

Gene: FGFR2 (fibroblast growth factor receptor 2; minus strand). Cytogenetic location: 10q26.13.
Variant type: single nucleotide variant.
Coding change: c.*324A>G on transcript NM_000141.5 (MANE Select); 324 bases downstream of the stop codon, A replaced by G.
Molecular consequence: 3 prime UTR variant. On other transcripts: non-coding transcript variant (1).
Genome position (GRCh38, 1-based): chr10:121,479,533, T>C on the plus strand (A>G on the coding strand, the complement: FGFR2 is on the minus strand). VCF-style: chr10-121479533-T-C. GRCh37 (hg19) VCF-style: chr10-123239047-T-C.
Other names: c.*324A>G (NM_001144914.1, NM_001144916.2, NM_001144917.2 and 5 more transcripts); c.*48A>G (NM_001144915.2).
Identifiers: ClinVar variation 298990 (VCV000298990.6), dbSNP rs150519853, ClinGen allele CA5720410.